The following is an entry in ClinVar:

NM_001395159.1(UNC79):c.7109A>G (p.Glu2370Gly)

Gene: UNC79 (unc-79 homolog, NALCN channel complex subunit; plus strand). Cytogenetic location: 14q32.12.
Variant type: single nucleotide variant.
Coding change: c.7109A>G on transcript NM_001395159.1 (MANE Select); coding-DNA position 7109, A replaced by G.
Protein change: p.Glu2370Gly; replaces glutamic acid 2370 with glycine.
Molecular consequence: missense variant.
Genome position (GRCh38, 1-based): chr14:93,682,651, A>G. VCF-style: chr14-93682651-A-G. GRCh37 (hg19) VCF-style: chr14-94148997-A-G.
Other names: c.7043A>G, p.Glu2348Gly (NM_001346218.2); c.6362A>G, p.Glu2121Gly (NM_020818.5); short protein forms E2121G, E2348G, E2370G.
Identifiers: ClinVar variation 2630811 (VCV002630811.3), dbSNP rs2549966586, ClinGen allele CA390813049.

ClinVar aggregate classification (germline): Uncertain significance (0 of 4 stars; one submission).

Conditions:
UNC79-related disorder. Also called: UNC79-related condition.

Submission:

PreventionGenetics, part of Exact Sciences
Classification: Uncertain significance for UNC79-related condition. Last evaluated: 2023-11-16. Review status: no assertion criteria provided. Collection method: clinical testing. Allele origin: germline.
Comment: The UNC79 c.7043A>G variant is predicted to result in the amino acid substitution p.Glu2348Gly. To our knowledge, this variant has not been reported in the literature or in a large population database, indicating this variant is rare. Although we suspect this variant may be pathogenic, at this time the clinical significance is uncertain due to the absence of conclusive functional and genetic evidence.